The following is an entry in ClinVar:

NM_001080414.4(CCDC88C):c.1666-2A>C

Gene: CCDC88C (coiled-coil and HOOK domain protein 88C; minus strand). Cytogenetic location: 14q32.11.
Variant type: single nucleotide variant.
Coding change: c.1666-2A>C on transcript NM_001080414.4 (MANE Select); the canonical splice acceptor site of the intron before coding-DNA position 1666, A replaced by C.
Molecular consequence: splice acceptor variant.
Genome position (GRCh38, 1-based): chr14:91,314,152, T>G on the plus strand (A>C on the coding strand, the complement: CCDC88C is on the minus strand). VCF-style: chr14-91314152-T-G. GRCh37 (hg19) VCF-style: chr14-91780496-T-G.
Identifiers: ClinVar variation 5004632 (VCV005004632.1).
Genomic context (GRCh38, chr14:91,314,152, plus strand): 5'-TCCCGCAGCGACCACATGGCTCGGTTGAGGTGGTCCTTTTCCTGCTCAAGGTCCTTGATC[T>G]ACGGGAAAACACAACAGGCACAACCCAGGCTGCTGCAGGAACCTATTTCAGTGACATGGG-3'

ClinVar aggregate classification (germline): Uncertain significance (1 of 4 stars; one submission).

Conditions:
Hydrocephalus, nonsyndromic, autosomal recessive 1 (HYC1). Also called: Hydrocephalus, nonsyndromic, autosomal recessive; Congenital hydrocephalus 1. Identifiers: Orphanet 2185, MedGen C3887608, MONDO:0009360, OMIM 236600.

Submission:

Myriad Genetics, Inc.
Classification: Uncertain significance for Hydrocephalus, nonsyndromic, autosomal recessive 1. Last evaluated: 2026-04-28. Review status: criteria provided, single submitter. Criteria: Myriad Autosomal Dominant, Autosomal Recessive and X-Linked Classification Criteria (2023). Collection method: clinical testing. Allele origin: unknown.
Comment: NM_001080414.3(CCDC88C):c.1666-2A>C is a variant in a canonical splice site classified as a variant of uncertain significance in the context of congenital hydrocephalus, CCDC88C-related. c.1666-2A>C has not been observed in cases with relevant disease. Relevant functional assessments of this variant are not available in the literature. c.1666-2A>C has not been observed in referenced population frequency databases. In summary, there is insufficient evidence to classify NM_001080414.3(CCDC88C):c.1666-2A>C as pathogenic or benign. Please note: this variant was assessed in the context of healthy population screening.